The following is an entry in ClinVar:

ClinVar aggregate classification (germline): Likely benign (1 of 4 stars; one submission).

Conditions:
Familial cancer of breast. Also called: hereditary breast carcinoma; BREAST CANCER, FAMILIAL; Hereditary breast cancer. Identifiers: Orphanet 227535, MedGen C0346153, MONDO:0016419, OMIM 114480. Disease mechanism: loss of function.

Submission:

Myriad Genetics, Inc.
Classification: Likely benign for Familial cancer of breast. Last evaluated: 2024-06-05. Review status: criteria provided, single submitter. Criteria: Myriad Autosomal Dominant, Autosomal Recessive and X-Linked Classification Criteria (2023). Collection method: clinical testing. Allele origin: unknown.
Comment: This variant is considered likely benign. This variant is intronic and is not expected to impact mRNA splicing.

NM_000051.4(ATM):c.6199-13A>G

Genes: ATM (ATM serine/threonine kinase; plus strand), C11orf65 (chromosome 11 open reading frame 65; minus strand). Cytogenetic location: 11q22.3.
Variant type: single nucleotide variant.
Coding change: c.6199-13A>G on transcript NM_000051.4 (MANE Select); 13 bases into the intron before coding-DNA position 6199, A replaced by G.
Molecular consequence: intron variant.
Genome position (GRCh38, 1-based): chr11:108,317,360, A>G. VCF-style: chr11-108317360-A-G. GRCh37 (hg19) VCF-style: chr11-108188087-A-G.
Other names: c.6199-13A>G (NM_001351834.2); c.641-8289T>C (NM_001330368.2); c.*39-8289T>C (NM_001351110.2).
Identifiers: ClinVar variation 3254013 (VCV003254013.1), dbSNP rs2547112696.
Genomic context (GRCh38, chr11:108,317,360, plus strand): 5'-TGCTGTTTTTTTCTCTGGTTTTCTGTTGATATCTTTGATTACTTAACTTAAAAACAAAAT[A>G]ACTCCTGTTTAGGCCTTGCAGAATTTGGGACTCTGCCATATTCTTTCCGTCTATTTAAAA-3'